The following is an entry in ClinVar:

NM_001330700.2(TOP2B):c.130G>A (p.Asp44Asn)

Gene: TOP2B (DNA topoisomerase II beta; minus strand). Cytogenetic location: 3p24.2.
Variant type: single nucleotide variant.
Coding change: c.130G>A on transcript NM_001330700.2 (MANE Select); coding-DNA position 130, G replaced by A.
Protein change: p.Asp44Asn; replaces aspartic acid 44 with asparagine.
Molecular consequence: missense variant.
Genome position (GRCh38, 1-based): chr3:25,645,410, C>T on the plus strand (G>A on the coding strand, the complement: TOP2B is on the minus strand). VCF-style: chr3-25645410-C-T. GRCh37 (hg19) VCF-style: chr3-25686901-C-T.
Other names: c.115G>A, p.Asp39Asn (NM_001068.3); short protein forms D44N, D39N.
Identifiers: ClinVar variation 1403838 (VCV001403838.8), dbSNP rs757433433, ClinGen allele CA2288972.

ClinVar aggregate classification (germline): Uncertain significance (1 of 4 stars; one submission).

Allele frequency attached by ClinVar (database versions not stated): gnomAD 0.00003.

Submission:

Labcorp Genetics (formerly Invitae), Labcorp
Classification: Uncertain significance. Last evaluated: 2026-01-04. Review status: criteria provided, single submitter. Criteria: Invitae Variant Classification Sherloc (09022015). Collection method: clinical testing. Allele origin: germline.
Comment: This sequence change replaces aspartic acid, which is acidic and polar, with asparagine, which is neutral and polar, at codon 39 of the TOP2B protein (p.Asp39Asn). This variant is present in population databases (rs757433433, gnomAD 0.002%). This variant has not been reported in the literature in individuals affected with TOP2B-related conditions. ClinVar contains an entry for this variant (Variation ID: 1403838). An algorithm developed to predict the effect of missense changes on protein structure and function (PolyPhen-2) suggests that this variant is likely to be tolerated. In summary, the available evidence is currently insufficient to determine the role of this variant in disease. Therefore, it has been classified as a Variant of Uncertain Significance.